The following is an entry in ClinVar:

ClinVar aggregate classification (germline): Pathogenic (1 of 4 stars; one submission).

Conditions:
Kabuki syndrome 2 (KABUK2). Also called: KDM6A-Related Kabuki Syndrome. Identifiers: Orphanet 2322, MedGen C3275495, MONDO:0010465, OMIM 300867.

Submission:

Labcorp Genetics (formerly Invitae), Labcorp
Classification: Pathogenic for Kabuki syndrome 2. Last evaluated: 2024-01-24. Review status: criteria provided, single submitter. Criteria: Invitae Variant Classification Sherloc (09022015). Collection method: clinical testing. Allele origin: germline.
Comment: This sequence change creates a premature translational stop signal (p.Gln218*) in the KDM6A gene. It is expected to result in an absent or disrupted protein product. Loss-of-function variants in KDM6A are known to be pathogenic (PMID: 23076834, 23913813). This variant is not present in population databases (gnomAD no frequency). This variant has not been reported in the literature in individuals affected with KDM6A-related conditions. For these reasons, this variant has been classified as Pathogenic.

Literature cited by the submitters: PubMed 23076834; PubMed 23913813.

NM_001291415.2(KDM6A):c.652C>T (p.Gln218Ter)

Gene: KDM6A (lysine demethylase 6A; plus strand). Cytogenetic location: Xp11.3.
Variant type: single nucleotide variant.
Coding change: c.652C>T on transcript NM_001291415.2 (MANE Select); coding-DNA position 652, C replaced by T.
Protein change: p.Gln218Ter; replaces glutamine 218 with a stop codon.
Molecular consequence: nonsense. On other transcripts: 5 prime UTR variant (1), non-coding transcript variant (1).
Genome position (GRCh38, 1-based): chrX:45,037,687, C>T. VCF-style: chrX-45037687-C-T. GRCh37 (hg19) VCF-style: chrX-44896932-C-T.
Other names: c.652C>T, p.Gln218Ter (NM_001291416.2, NM_001291417.2, NM_001291418.2 and 9 more transcripts); c.-102C>T (NM_001291421.2); short protein forms Q218*.
Identifiers: ClinVar variation 3633192 (VCV003633192.2).